The following is an entry in ClinVar:

NM_000387.6(SLC25A20):c.533G>A (p.Arg178Gln)

Gene: SLC25A20 (solute carrier family 25 member 20; minus strand). Cytogenetic location: 3p21.31.
Variant type: single nucleotide variant.
Coding change: c.533G>A on transcript NM_000387.6 (MANE Select); coding-DNA position 533, G replaced by A.
Protein change: p.Arg178Gln; replaces arginine 178 with glutamine.
Molecular consequence: missense variant.
Genome position (GRCh38, 1-based): chr3:48,862,544, C>T on the plus strand (G>A on the coding strand, the complement: SLC25A20 is on the minus strand). VCF-style: chr3-48862544-C-T. GRCh37 (hg19) VCF-style: chr3-48899977-C-T.
Other names: short protein forms R178Q.
Identifiers: ClinVar variation 1348719 (VCV001348719.9), dbSNP rs754563147, ClinGen allele CA2387379.

ClinVar aggregate classification (germline): Likely pathogenic (1 of 4 stars; one submission).

Conditions:
Carnitine acylcarnitine translocase deficiency (CACTD). Identifiers: Orphanet 159, MedGen C0342791, MONDO:0008918, OMIM 212138.

Allele frequency attached by ClinVar (database versions not stated): TOPMed 0.00002; ExAC 0.00003; gnomAD exomes 0.00004 and 0.00001; gnomAD 0.00001.
gnomAD v4.1: 13 of 1,607,784 alleles (0.00081%); highest among the groups gnomAD compares: Admixed American, 0.018%; no homozygotes.

Submission:

Labcorp Genetics (formerly Invitae), Labcorp
Classification: Likely pathogenic for Carnitine acylcarnitine translocase deficiency. Last evaluated: 2025-05-11. Review status: criteria provided, single submitter. Criteria: Invitae Variant Classification Sherloc (09022015). Collection method: clinical testing. Allele origin: germline.
Comment: This sequence change replaces arginine, which is basic and polar, with glutamine, which is neutral and polar, at codon 178 of the SLC25A20 protein (p.Arg178Gln). This variant is present in population databases (rs754563147, gnomAD 0.02%). This missense change has been observed in individual(s) with carnitine acylcarnitine translocase deficiency (PMID: 12559850). In at least one individual the data is consistent with being in trans (on the opposite chromosome) from a pathogenic variant. It has also been observed to segregate with disease in related individuals. ClinVar contains an entry for this variant (Variation ID: 1348719). An algorithm developed to predict the effect of missense changes on protein structure and function (PolyPhen-2) suggests that this variant is likely to be disruptive. This variant disrupts the p.Arg178 amino acid residue in SLC25A20. Other variant(s) that disrupt this residue have been observed in individuals with SLC25A20-related conditions (internal data), which suggests that this may be a clinically significant amino acid residue. In summary, the currently available evidence indicates that the variant is pathogenic, but additional data are needed to prove that conclusively. Therefore, this variant has been classified as Likely Pathogenic.

Literature cited by the submitters: PubMed 12559850.